The following is an entry in ClinVar:

ClinVar aggregate classification (germline): Pathogenic/Likely pathogenic. Review status: criteria provided, multiple submitters, no conflicts (2 of 4 stars). 4 submissions from 4 submitters: Pathogenic (2); Likely pathogenic (2). Last evaluated 2025-03-24.

Conditions:
PRG4-related disorder. Also called: PRG4-related condition.
Camptodactyly-arthropathy-coxa vara-pericarditis syndrome. Also called: JACOBS SYNDROME; PAC SYNDROME; FIBROSING SEROSITIS, FAMILIAL; Arthropathy camptodactyly syndrome; Pericarditis arthropathy camptodactyly syndrome; Congenital familial hypertrophic synovitis. Identifiers: Orphanet 2848, MedGen C1859690, MONDO:0008828, OMIM 208250.

Submissions (4):

Variantyx, Inc.
Classification: Pathogenic for Camptodactyly-arthropathy-coxa vara-pericarditis syndrome. Last evaluated: 2025-03-24. Review status: criteria provided, single submitter. Criteria: Variantyx Assertion Criteria 2022. Collection method: clinical testing. Allele origin: paternal. Inheritance: Autosomal recessive inheritance.
Comment: This is a frameshift variant in the PRG4 gene (OMIM: 604283). Pathogenic variants in this gene have been associated with autosomal recessive camptodactyly-arthropathy-coxa vara-pericarditis syndrome (CACP). The alteration leads to a frameshift in exon 8 of 13 resulting in a truncated protein that is expected to undergo NMD. Loss-of-function variants in PRG4 are known to be pathogenic (PMID: 10545950, 16429407) (PVS1). This variant has a 0.0121% maximum allele frequency in non-founder control populations (PM2). It was found in individuals exhibiting a phenotype suggestive of of CACP (PMID: 33726816, 33083013, 35717242, 37273706). Based on the evidence, this variant has been classified as pathogenic for CACP.

GeneDx
Classification: Pathogenic. Last evaluated: 2024-10-16. Review status: criteria provided, single submitter. Criteria: GeneDx Variant Classification Process June 2021. Collection method: clinical testing. Allele origin: germline. Affected: yes.
Comment: Frameshift variant predicted to result in protein truncation or nonsense mediated decay in a gene for which loss of function is a known mechanism of disease; This variant is associated with the following publications: (PMID: 33726816, 33083013, 35717242, 37273706)

Blueprint Genetics
Classification: Likely pathogenic for PRG4-related disorders. Last evaluated: 2024-01-08. Review status: criteria provided, single submitter. Criteria: ACMG Guidelines, 2015. Collection method: clinical testing. Allele origin: germline. Affected: yes. Observed: 3 variant alleles.

CENTOGENE GmbH and LLC - Guiding Precision Medicine
Classification: Likely pathogenic for Camptodactyly-arthropathy-coxa vara-pericarditis syndrome. Review status: criteria provided, single submitter. Criteria: ACMG Guidelines, 2015. Collection method: clinical testing. Allele origin: germline. Affected: yes.

Literature cited by the submitters: PubMed 10545950 (cited by Variantyx, Inc.); PubMed 16429407 (cited by Variantyx, Inc.); PubMed 33726816 (cited by Variantyx, Inc.); PubMed 33083013 (cited by Variantyx, Inc.); PubMed 35717242 (cited by Variantyx, Inc.); PubMed 37273706 (cited by Variantyx, Inc.).

NM_005807.6(PRG4):c.3462_3465del (p.Thr1155fs)

Gene: PRG4 (proteoglycan 4; plus strand). Cytogenetic location: 1q31.1.
Variant type: Microsatellite.
Coding change: c.3462_3465del on transcript NM_005807.6 (MANE Select); coding-DNA positions 3462 to 3465, 4 bases deleted (GACT; older notation c.3462_3465delGACT).
Protein change: p.Thr1155fs; shifts the reading frame from threonine 1155.
Molecular consequence: frameshift variant.
Genome position (GRCh38, 1-based): chr1:186,309,833-186,309,836, GACT deleted; deleting any 4 consecutive bases within chr1:186,309,829-186,309,836 gives the same sequence; the c. name uses the placement nearest the transcript's 3' end. VCF-style (leftmost placement, unchanged base first): chr1-186309828-GGACT-G. GRCh37 (hg19) VCF-style: chr1-186278960-GGACT-G.
Other names: c.3339_3342del, p.Thr1114fs (NM_001127708.3); c.3183_3186del, p.Thr1062fs (NM_001127709.3); c.3060_3063del, p.Thr1021fs (NM_001127710.3); c.3333_3336del, p.Thr1112fs (NM_001303232.2); short protein forms T1021fs, T1155fs, T1062fs, T1114fs, T1112fs.
Identifiers: ClinVar variation 973566 (VCV000973566.6), dbSNP rs768053349, ClinGen allele CA1296638.